The following is an entry in ClinVar:

ClinVar aggregate classification (germline): Uncertain significance (1 of 4 stars; one submission).

Allele frequency attached by ClinVar (database versions not stated): gnomAD 0.00001; gnomAD exomes 0.00001; TOPMed 0.00001; ExAC 0.00002.

Submission:

Labcorp Genetics (formerly Invitae), Labcorp
Classification: Uncertain significance. Last evaluated: 2021-08-26. Review status: criteria provided, single submitter. Criteria: Invitae Variant Classification Sherloc (09022015). Collection method: clinical testing. Allele origin: germline.
Comment: This sequence change replaces arginine with cysteine at codon 425 of the ACBD5 protein (p.Arg425Cys). The arginine residue is moderately conserved and there is a large physicochemical difference between arginine and cysteine. This variant is present in population databases (rs779982287, ExAC 0.02%). This variant has not been reported in the literature in individuals affected with ACBD5-related conditions. Algorithms developed to predict the effect of missense changes on protein structure and function are either unavailable or do not agree on the potential impact of this missense change (SIFT: "Deleterious"; PolyPhen-2: "Probably Damaging"; Align-GVGD: "Class C0"). In summary, the available evidence is currently insufficient to determine the role of this variant in disease. Therefore, it has been classified as a Variant of Uncertain Significance.

NM_145698.5(ACBD5):c.1273C>T (p.Arg425Cys)

Gene: ACBD5 (acyl-CoA binding domain containing 5; minus strand). Cytogenetic location: 10p12.1.
Variant type: single nucleotide variant.
Coding change: c.1273C>T on transcript NM_145698.5 (MANE Select); coding-DNA position 1273, C replaced by T.
Protein change: p.Arg425Cys; replaces arginine 425 with cysteine.
Molecular consequence: missense variant.
Genome position (GRCh38, 1-based): chr10:27,208,377, G>A on the plus strand (C>T on the coding strand, the complement: ACBD5 is on the minus strand). VCF-style: chr10-27208377-G-A. GRCh37 (hg19) VCF-style: chr10-27497306-G-A.
Other names: c.1168C>T, p.Arg390Cys (NM_001042473.4, NM_001352577.2, NM_001352578.2 and 1 more transcripts); c.1267C>T, p.Arg423Cys (NM_001271512.3); c.946C>T, p.Arg316Cys (NM_001301251.2, NM_001301252.2, NM_001301253.2 and 2 more transcripts); c.742C>T, p.Arg248Cys (NM_001301254.2); c.1327C>T, p.Arg443Cys (NM_001352568.1); c.1306C>T, p.Arg436Cys (NM_001352569.1); c.1273C>T, p.Arg425Cys (NM_001352570.1); c.1300C>T, p.Arg434Cys (NM_001352571.1); and 10 more; short protein forms R316C, R366C, R368C, R401C, R423C, R425C, R322C, R357C.
Identifiers: ClinVar variation 960903 (VCV000960903.7), dbSNP rs779982287, ClinGen allele CA5450683.